The following is an entry in ClinVar:

ClinVar aggregate classification (germline): Uncertain significance. Review status: criteria provided, multiple submitters, no conflicts (2 of 4 stars). 2 submissions from 2 submitters: Uncertain significance (2). Last evaluated 2026-02-28.

Conditions:
Dystonia 12 (DYT12). Also called: DYT-ATP1A3; Rapid-Onset Dystonia-Parkinsonism (RDP). Identifiers: Orphanet 71517, MedGen C1868681, MONDO:0007496, OMIM 128235.

Submissions (2):

GeneDx
Classification: Uncertain significance. Last evaluated: 2026-02-28. Review status: criteria provided, single submitter. Criteria: GeneDx Variant Classification Process June 2021. Collection method: clinical testing. Allele origin: germline.
Comment: Identified in a patient with a neurodevelopmental disorder who inherited the variant from an apparently mosaic parent in published literature (PMID: 36192182); Not observed at significant frequency in large population cohorts (gnomAD); In silico analysis supports that this missense variant has a deleterious effect on protein structure/function; This variant is associated with the following publications: (PMID: 36192182)

Labcorp Genetics (formerly Invitae), Labcorp
Classification: Uncertain significance for Dystonia 12. Last evaluated: 2022-11-16. Review status: criteria provided, single submitter. Criteria: Invitae Variant Classification Sherloc (09022015). Collection method: clinical testing. Allele origin: germline.
Comment: In summary, the available evidence is currently insufficient to determine the role of this variant in disease. Therefore, it has been classified as a Variant of Uncertain Significance. Advanced modeling of protein sequence and biophysical properties (such as structural, functional, and spatial information, amino acid conservation, physicochemical variation, residue mobility, and thermodynamic stability) performed at Invitae indicates that this missense variant is expected to disrupt ATP1A3 protein function. ClinVar contains an entry for this variant (Variation ID: 645626). This variant has not been reported in the literature in individuals affected with ATP1A3-related conditions. This variant is not present in population databases (gnomAD no frequency). This sequence change replaces glycine, which is neutral and non-polar, with arginine, which is basic and polar, at codon 751 of the ATP1A3 protein (p.Gly751Arg).

NM_152296.5(ATP1A3):c.2251G>A (p.Gly751Arg)

Gene: ATP1A3 (ATPase Na+/K+ transporting subunit alpha 3; minus strand). Cytogenetic location: 19q13.2.
Variant type: single nucleotide variant.
Coding change: c.2251G>A on transcript NM_152296.5 (MANE Select); coding-DNA position 2251, G replaced by A.
Protein change: p.Gly751Arg; replaces glycine 751 with arginine.
Molecular consequence: missense variant.
Genome position (GRCh38, 1-based): chr19:41,975,641, C>T on the plus strand (G>A on the coding strand, the complement: ATP1A3 is on the minus strand). VCF-style: chr19-41975641-C-T. GRCh37 (hg19) VCF-style: chr19-42479793-C-T.
Other names: c.2284G>A, p.Gly762Arg (NM_001256213.2); c.2290G>A, p.Gly764Arg (NM_001256214.2); short protein forms G751R, G764R, G762R.
Identifiers: ClinVar variation 645626 (VCV000645626.9), dbSNP rs1599712463, ClinGen allele CA406041614.